The following is an entry in ClinVar:

NM_178013.4(PRIMA1):c.353T>C (p.Ile118Thr)

Gene: PRIMA1 (proline rich membrane anchor 1; minus strand). Cytogenetic location: 14q32.12.
Variant type: single nucleotide variant.
Coding change: c.353T>C on transcript NM_178013.4 (MANE Select); coding-DNA position 353, T replaced by C.
Protein change: p.Ile118Thr; replaces isoleucine 118 with threonine.
Molecular consequence: missense variant.
Genome position (GRCh38, 1-based): chr14:93,737,247, A>G on the plus strand (T>C on the coding strand, the complement: PRIMA1 is on the minus strand). VCF-style: chr14-93737247-A-G. GRCh37 (hg19) VCF-style: chr14-94203593-A-G.
Other names: c.353T>C (NM_178013.3); short protein forms I118T.
Identifiers: ClinVar variation 1021283 (VCV001021283.10), dbSNP rs2076155309, ClinGen allele CA390820921.
Genomic context (GRCh38, chr14:93,737,247, plus strand): 5'-GCCCAGCTGGGGTTCCCTTCGGCTTGAAGCTGGGTGCAGTGAGTGAGCACTCACCTTTTT[A>G]TGGCTTTGTAGCAAATGATGACAAGCACAGTCAGAAACACCAGGGAGGCACAGCATACGG-3'
Protein context (NP_821092.1, residues 108-128): TVLVIICYKA[Ile118Thr]KRKPLRKDEN

ClinVar aggregate classification (germline): Uncertain significance. Review status: criteria provided, multiple submitters, no conflicts (2 of 4 stars). 2 submissions from 2 submitters: Uncertain significance (2). Last evaluated 2025-08-12.

Conditions:
Familial sleep-related hypermotor epilepsy. Also called: Autosomal Dominant Sleep-Related Hypermotor (Hyperkinetic) Epilepsy. Identifiers: Orphanet 98784, MedGen C3696898, MONDO:0000030.

Allele frequency attached by ClinVar (database versions not stated): gnomAD exomes below 0.00001.
gnomAD v4.1: 1 of 1,614,100 alleles (0.000062%); highest among the groups gnomAD compares: African/African-American, 0.0013%; no homozygotes.

Submissions (2):

Ambry Genetics
Classification: Uncertain significance. Last evaluated: 2025-08-12. Review status: criteria provided, single submitter. Criteria: Ambry Variant Classification Scheme 2023. Collection method: clinical testing. Allele origin: germline.

Labcorp Genetics (formerly Invitae), Labcorp
Classification: Uncertain significance for Familial sleep-related hypermotor epilepsy. Last evaluated: 2020-04-17. Review status: criteria provided, single submitter. Criteria: Invitae Variant Classification Sherloc (09022015). Collection method: clinical testing. Allele origin: germline.
Comment: This sequence change replaces isoleucine with threonine at codon 118 of the PRIMA1 protein (p.Ile118Thr). The isoleucine residue is highly conserved and there is a moderate physicochemical difference between isoleucine and threonine. This variant is not present in population databases (ExAC no frequency). This variant has not been reported in the literature in individuals with PRIMA1-related conditions. Algorithms developed to predict the effect of missense changes on protein structure and function are either unavailable or do not agree on the potential impact of this missense change (SIFT: "Tolerated"; PolyPhen-2: "Probably Damaging"; Align-GVGD: "Class C0"). In summary, the available evidence is currently insufficient to determine the role of this variant in disease. Therefore, it has been classified as a Variant of Uncertain Significance.